The following is an entry in ClinVar:

ClinVar aggregate classification (germline): Pathogenic. Review status: reviewed by expert panel (3 of 4 stars). 2 submissions from 2 submitters: Pathogenic (1). 1 of the submissions does not count toward it. Last evaluated 2016-10-18.

Conditions:
Breast-ovarian cancer, familial, susceptibility to, 2 (BROVCA2). Also called: BRCA2 Hereditary Breast and Ovarian Cancer. Identifiers: Orphanet 145, MedGen C2675520, MONDO:0012933, OMIM 612555. Disease mechanism: loss of function.

Submissions (2):

Evidence-based Network for the Interpretation of Germline Mutant Alleles (ENIGMA)
Classification: Pathogenic for Breast-ovarian cancer, familial, susceptibility to, 2. Last evaluated: 2016-10-18. Review status: reviewed by expert panel. Criteria: ENIGMA BRCA1/2 Classification Criteria (2015). Collection method: curation. Allele origin: germline.
Comment: Variant allele predicted to encode a truncated non-functional protein.

Consortium of Investigators of Modifiers of BRCA1/2 (CIMBA), c/o University of Cambridge
Classification: Pathogenic for Breast-ovarian cancer, familial, susceptibility to, 2. Last evaluated: 2015-10-02. Review status: criteria provided, single submitter. Criteria: CIMBA Mutation Classification guidelines May 2016. Collection method: clinical testing. Allele origin: germline. Not counted in ClinVar's aggregate classification.

NM_000059.4(BRCA2):c.5701_5714del (p.Ser1900_Glu1901insTer)

Gene: BRCA2 (BRCA2 DNA repair associated; plus strand). Cytogenetic location: 13q13.1.
Variant type: Deletion.
Coding change: c.5701_5714del on transcript NM_000059.4 (MANE Select); coding-DNA positions 5701 to 5714, 14 bases deleted (GAGGATATTCTTCA).
Protein change: p.Ser1900_Glu1901insTer.
Molecular consequence: nonsense.
Genome position (GRCh38, 1-based): chr13:32,340,056-32,340,069, GAGGATATTCTTCA deleted; deleting any 14 consecutive bases within chr13:32,340,052-32,340,069 gives the same sequence; the c. name uses the placement nearest the transcript's 3' end. VCF-style (leftmost placement, unchanged base first): chr13-32340051-ATTCAGAGGATATTC-A. GRCh37 (hg19) VCF-style: chr13-32914188-ATTCAGAGGATATTC-A.
Other names: 5925_5938del14.
Identifiers: ClinVar variation 266892 (VCV000266892.7), dbSNP rs886040607, ClinGen allele CA10589326.